The following is an entry in ClinVar:

ClinVar aggregate classification (germline): Uncertain significance (1 of 4 stars; one submission).

Conditions:
Shprintzen-Goldberg syndrome (SGS). Also called: SHPRINTZEN-GOLDBERG CRANIOSYNOSTOSIS SYNDROME; CRANIOSYNOSTOSIS WITH ARACHNODACTYLY AND ABDOMINAL HERNIAS; Marfanoid disorder with craniosynostosis type 1; Marfanoid craniosynostosis syndrome; Shprintzen-Goldberg marfanoid syndrome. Identifiers: Orphanet 2462, MedGen C1321551, MONDO:0008426, OMIM 182212.

Submission:

Labcorp Genetics (formerly Invitae), Labcorp
Classification: Uncertain significance for Shprintzen-Goldberg syndrome. Last evaluated: 2023-06-04. Review status: criteria provided, single submitter. Criteria: Invitae Variant Classification Sherloc (09022015). Collection method: clinical testing. Allele origin: germline.
Comment: This variant has not been reported in the literature in individuals affected with SKI-related conditions. In summary, the available evidence is currently insufficient to determine the role of this variant in disease. Therefore, it has been classified as a Variant of Uncertain Significance. Advanced modeling of protein sequence and biophysical properties (such as structural, functional, and spatial information, amino acid conservation, physicochemical variation, residue mobility, and thermodynamic stability) performed at Invitae indicates that this missense variant is expected to disrupt SKI protein function. This variant is not present in population databases (gnomAD no frequency). This sequence change replaces proline, which is neutral and non-polar, with alanine, which is neutral and non-polar, at codon 240 of the SKI protein (p.Pro240Ala).

NM_003036.4(SKI):c.718C>G (p.Pro240Ala)

Gene: SKI (SKI proto-oncogene; plus strand). Cytogenetic location: 1p36.33.
Variant type: single nucleotide variant.
Coding change: c.718C>G on transcript NM_003036.4 (MANE Select); coding-DNA position 718, C replaced by G.
Protein change: p.Pro240Ala; replaces proline 240 with alanine.
Molecular consequence: missense variant.
Genome position (GRCh38, 1-based): chr1:2,229,484, C>G. VCF-style: chr1-2229484-C-G. GRCh37 (hg19) VCF-style: chr1-2160923-C-G.
Other names: short protein forms P240A.
Identifiers: ClinVar variation 3016426 (VCV003016426.3), dbSNP rs2527579192, ClinGen allele CA337954865.
Genomic context (GRCh38, chr1:2,229,484, plus strand): 5'-GTGTACCACGAGTGCTTCGGCAAGTGTAAGGGGCTGCTGGTGCCCGAGCTCTACAGCAGC[C>G]CGAGCGCCGCCTGCATCCAGTGCCTGGACTGCCGCCTCATGTACCCGCCGCACAAGTTCG-3'
Protein context (NP_003027.1, residues 230-250): GLLVPELYSS[Pro240Ala]SAACIQCLDC